The following is an entry in ClinVar:

ClinVar aggregate classification (germline): Uncertain significance (1 of 4 stars; one submission).

Conditions:
Hereditary cancer-predisposing syndrome. Also called: Hereditary Cancer Syndrome; Tumor predisposition; Hereditary neoplastic syndrome; Neoplastic Syndromes, Hereditary. Identifiers: Orphanet 140162, MedGen C0027672, MeSH D009386, MONDO:0015356.

Submission:

Ambry Genetics
Classification: Uncertain significance for Hereditary cancer-predisposing syndrome. Last evaluated: 2024-09-30. Review status: criteria provided, single submitter. Criteria: Ambry Variant Classification Scheme 2023. Collection method: clinical testing. Allele origin: germline.
Comment: The p.K1121T variant (also known as c.3362A>C), located in coding exon 24 of the MSH3 gene, results from an A to C substitution at nucleotide position 3362. The lysine at codon 1121 is replaced by threonine, an amino acid with similar properties. This amino acid position is conserved. In addition, this alteration is predicted to be tolerated by in silico analysis. Based on the available evidence, the clinical significance of this variant remains unclear.

NM_002439.5(MSH3):c.3362A>C (p.Lys1121Thr)

Gene: MSH3 (mutS homolog 3; plus strand). Cytogenetic location: 5q14.1.
Variant type: single nucleotide variant.
Coding change: c.3362A>C on transcript NM_002439.5 (MANE Select); coding-DNA position 3362, A replaced by C.
Protein change: p.Lys1121Thr; replaces lysine 1121 with threonine.
Molecular consequence: missense variant.
Genome position (GRCh38, 1-based): chr5:80,875,810, A>C. VCF-style: chr5-80875810-A-C. GRCh37 (hg19) VCF-style: chr5-80171629-A-C.
Other names: short protein forms K1121T.
Identifiers: ClinVar variation 3398736 (VCV003398736.1).
Genomic context (GRCh38, chr5:80,875,810, plus strand): 5'-GAAAGAGACTCAAGTATTTTGCAAAGTTATGGACGATGCATAATGCACAAGACCTGCAGA[A>C]GTGGACAGAGGAGTTCAACATGGAAGAAACACAGACTTCTCTTCTTCATTAAAATGAAGA-3'
Protein context (NP_002430.3, residues 1111-1131): WTMHNAQDLQ[Lys1121Thr]WTEEFNMEET